The following is an entry in ClinVar:

ClinVar aggregate classification (germline): Uncertain significance. Review status: criteria provided, multiple submitters, no conflicts (2 of 4 stars). 2 submissions from 2 submitters: Uncertain significance (2). Last evaluated 2024-02-22.

Conditions:
Inborn genetic diseases. Identifiers: MedGen C0950123, MeSH D030342.
Nephrotic syndrome. Identifiers: MedGen C0027726, MONDO:0005377, HP:0000100.

Allele frequency attached by ClinVar (database versions not stated): gnomAD 0.00001; gnomAD exomes 0.00001; ExAC 0.00002; TOPMed 0.00002.
gnomAD v4.1: 41 of 1,613,832 alleles (0.0025%); highest among the groups gnomAD compares: Non-Finnish European, 0.0031%; no homozygotes.

Submissions (2):

Ambry Genetics
Classification: Uncertain significance for Inborn genetic diseases. Last evaluated: 2024-02-22. Review status: criteria provided, single submitter. Criteria: Ambry Variant Classification Scheme 2023. Collection method: clinical testing. Allele origin: germline.

Victorian Clinical Genetics Services, Murdoch Childrens Research Institute
Classification: Uncertain significance for Nephrotic syndrome. Last evaluated: 2018-08-04. Review status: criteria provided, single submitter. Criteria: ACMG Guidelines, 2015. Collection method: clinical testing. Allele origin: maternal. Affected: yes. Observed: 2 variant alleles.
Comment: A heterozygous missense variant, NM_005245.3(FAT1):c.10481A>G, has been identified in exon 18 of 27 of the FAT1 gene. The variant is predicted to result in a minor amino acid change from glutamine to arginine at position 3494 of the protein (NP_005236.2(FAT1):p.(Gln3494Arg)). The glutamine at this position has low conservation (100 vertebrates, UCSC), and is located within the cadherin repeat domain. In silico predictions of pathogenicity for this variant are conflicting (Polyphen, SIFT, CADD, Mutation Taster). The variant is present in the gnomAD database at a frequency of 0.0008% (0 homozygotes). This variant has not been previously reported in clinical cases. Based on the information available at the time of curation, this variant has been classified as a VARIANT of UNCERTAIN SIGNIFICANCE (VUS).

NM_005245.4(FAT1):c.10481A>G (p.Gln3494Arg)

Gene: FAT1 (FAT atypical cadherin 1; minus strand). Cytogenetic location: 4q35.2.
Variant type: single nucleotide variant.
Coding change: c.10481A>G on transcript NM_005245.4 (MANE Select); coding-DNA position 10481, A replaced by G.
Protein change: p.Gln3494Arg; replaces glutamine 3494 with arginine.
Molecular consequence: missense variant.
Genome position (GRCh38, 1-based): chr4:186,604,444, T>C on the plus strand (A>G on the coding strand, the complement: FAT1 is on the minus strand). VCF-style: chr4-186604444-T-C. GRCh37 (hg19) VCF-style: chr4-187525598-T-C.
Other names: short protein forms Q3494R.
Identifiers: ClinVar variation 870376 (VCV000870376.3), dbSNP rs766881276, ClinGen allele CA3165347.